The following is an entry in ClinVar:

NM_001127649.3(PEX26):c.175G>A (p.Glu59Lys)

Gene: PEX26 (peroxisomal biogenesis factor 26; plus strand). Cytogenetic location: 22q11.21.
Variant type: single nucleotide variant.
Coding change: c.175G>A on transcript NM_001127649.3 (MANE Select); coding-DNA position 175, G replaced by A.
Protein change: p.Glu59Lys; replaces glutamic acid 59 with lysine.
Molecular consequence: missense variant.
Genome position (GRCh38, 1-based): chr22:18,078,551, G>A. VCF-style: chr22-18078551-G-A. GRCh37 (hg19) VCF-style: chr22-18561317-G-A.
Other names: c.175G>A, p.Glu59Lys (NM_001199319.2, NM_017929.6); short protein forms E59K.
Identifiers: ClinVar variation 2012898 (VCV002012898.1), dbSNP rs775203834, ClinGen allele CA410265096.

ClinVar aggregate classification (germline): Uncertain significance (1 of 4 stars; one submission).

Conditions:
Peroxisome biogenesis disorder 7A (Zellweger). Also called: Peroxisome biogenesis disorder 7A. Identifiers: Orphanet 912, MedGen C3888385, MONDO:0013938, OMIM 614872.
Peroxisome biogenesis disorder 7B (PBD7B). Identifiers: Orphanet 44, MedGen C3553951, MONDO:0013939, OMIM 614873.

Allele frequency attached by ClinVar (database versions not stated): TOPMed below 0.00001.

Submission:

Labcorp Genetics (formerly Invitae), Labcorp
Classification: Uncertain significance for Peroxisome biogenesis disorder 7A (Zellweger); Peroxisome biogenesis disorder 7B. Last evaluated: 2022-08-20. Review status: criteria provided, single submitter. Criteria: Invitae Variant Classification Sherloc (09022015). Collection method: clinical testing. Allele origin: germline.
Comment: This sequence change replaces glutamic acid, which is acidic and polar, with lysine, which is basic and polar, at codon 59 of the PEX26 protein (p.Glu59Lys). This variant is not present in population databases (gnomAD no frequency). This variant has not been reported in the literature in individuals affected with PEX26-related conditions. Algorithms developed to predict the effect of missense changes on protein structure and function are either unavailable or do not agree on the potential impact of this missense change (SIFT: "Tolerated"; PolyPhen-2: "Probably Damaging"; Align-GVGD: "Class C15"). In summary, the available evidence is currently insufficient to determine the role of this variant in disease. Therefore, it has been classified as a Variant of Uncertain Significance.